The following is an entry in ClinVar:

ClinVar aggregate classification (germline): Pathogenic (1 of 4 stars; one submission).

Conditions:
LAMA2-related muscular dystrophy (LAMA2-RD). Also called: Laminin alpha 2-related dystrophy. Identifiers: MedGen C5679788, MONDO:0100228.

Submission:

Myriad Genetics, Inc.
Classification: Pathogenic for LAMA2-related muscular dystrophy. Last evaluated: 2025-05-11. Review status: criteria provided, single submitter. Criteria: Myriad Autosomal Dominant, Autosomal Recessive and X-Linked Classification Criteria (2023). Collection method: clinical testing. Allele origin: unknown.
Comment: NM_000426.3(LAMA2):c.7263delA(K2421Nfs*19) is expected to be pathogenic in the context of muscular dystrophy, LAMA2-related. This variant is predicted to lead to an abnormal or absent protein product due to the creation of a premature termination codon in LAMA2, a gene where loss-of-function variants are known to be pathogenic. Please note: this variant was assessed in the context of healthy population screening.

NM_000426.4(LAMA2):c.7263del (p.Lys2421fs)

Gene: LAMA2 (laminin subunit alpha 2; plus strand). Cytogenetic location: 6q22.33.
Variant type: Deletion.
Coding change: c.7263del on transcript NM_000426.4 (MANE Select); coding-DNA position 7263, one base deleted (A; older notation c.7263delA).
Protein change: p.Lys2421fs; shifts the reading frame from lysine 2421.
Molecular consequence: frameshift variant.
Genome position (GRCh38, 1-based): chr6:129,465,252, A deleted; the last of 3 consecutive A bases (chr6:129,465,250-129,465,252); deleting any one gives the same sequence. VCF-style (leftmost placement, unchanged base first): chr6-129465249-GA-G. GRCh37 (hg19) VCF-style: chr6-129786394-GA-G.
Other names: c.7263del, p.Lys2421fs (NM_001079823.2); short protein forms K2421fs.
Identifiers: ClinVar variation 5014426 (VCV005014426.1).